The following is an entry in ClinVar:

NM_201548.5(CERKL):c.238+6T>A

Genes: CERKL (CERK like autophagy regulator; minus strand), LOC129935214 (ATAC-STARR-seq lymphoblastoid silent region 12157; plus strand). Cytogenetic location: 2q31.3.
Variant type: single nucleotide variant.
Coding change: c.238+6T>A on transcript NM_201548.5 (MANE Select); 6 bases into the intron after coding-DNA position 238, T replaced by A.
Molecular consequence: intron variant.
Genome position (GRCh38, 1-based): chr2:181,656,763, A>T on the plus strand (T>A on the coding strand, the complement: CERKL is on the minus strand). VCF-style: chr2-181656763-A-T. GRCh37 (hg19) VCF-style: chr2-182521490-A-T.
Other names: c.238+6T>A (NM_001030312.3, NM_001160277.2, NM_001030313.3 and 1 more transcripts).
Identifiers: ClinVar variation 1936249 (VCV001936249.2), dbSNP rs749540242, ClinGen allele CA2010910.

ClinVar aggregate classification (germline): Uncertain significance (1 of 4 stars; one submission).

Allele frequency attached by ClinVar (database versions not stated): gnomAD 0.00001.
gnomAD v4.1: 2 of 1,585,580 alleles (0.00013%); highest among the groups gnomAD compares: Non-Finnish European, 0.00017%; no homozygotes.

Submission:

Labcorp Genetics (formerly Invitae), Labcorp
Classification: Uncertain significance. Last evaluated: 2021-04-16. Review status: criteria provided, single submitter. Criteria: Invitae Variant Classification Sherloc (09022015). Collection method: clinical testing. Allele origin: germline.
Comment: This sequence change falls in intron 1 of the CERKL gene. It does not directly change the encoded amino acid sequence of the CERKL protein. It affects a nucleotide within the consensus splice site of the intron. This variant is present in population databases (rs749540242, ExAC 0.003%). This variant has not been reported in the literature in individuals with CERKL-related conditions. Nucleotide substitutions within the consensus splice site are a relatively common cause of aberrant splicing (PMID: 17576681, 9536098). Algorithms developed to predict the effect of sequence changes on RNA splicing suggest that this variant may disrupt the consensus splice site, but this prediction has not been confirmed by published transcriptional studies. In summary, the available evidence is currently insufficient to determine the role of this variant in disease. Therefore, it has been classified as a Variant of Uncertain Significance.

Literature cited by the submitters: PubMed 17576681; PubMed 9536098.